The following is an entry in ClinVar:

ClinVar aggregate classification (germline): Likely pathogenic (1 of 4 stars; one submission).

Conditions:
Inborn genetic diseases. Identifiers: MedGen C0950123, MeSH D030342.

Submission:

Ambry Genetics
Classification: Likely pathogenic for Inborn genetic diseases. Last evaluated: 2025-10-02. Review status: criteria provided, single submitter. Criteria: Ambry Variant Classification Scheme 2023. Collection method: clinical testing. Allele origin: germline.
Comment: The c.1216-2A>G intronic variant consists of an A to G substitution two nucleotide before exon 12 (coding exon 11) of the CNOT1 gene. Alterations that disrupt the canonical splice site are expected to cause aberrant splicing, resulting in an abnormal protein or a transcript that is subject to nonsense-mediated mRNA decay. This variant was not reported in population-based cohorts in the Genome Aggregation Database (gnomAD). This nucleotide position is highly conserved in available vertebrate species. In silico splice site analysis predicts that this alteration will weaken the native splice acceptor site and will result in the creation or strengthening of a novel splice acceptor site. Based on the available evidence, this alteration is classified as likely pathogenic.

NM_016284.5(CNOT1):c.1216-2A>G

Gene: CNOT1 (CCR4-NOT transcription complex subunit 1; minus strand). Cytogenetic location: 16q21.
Variant type: single nucleotide variant.
Coding change: c.1216-2A>G on transcript NM_016284.5 (MANE Select); the canonical splice acceptor site of the intron before coding-DNA position 1216, A replaced by G.
Molecular consequence: splice acceptor variant.
Genome position (GRCh38, 1-based): chr16:58,580,762, T>C on the plus strand (A>G on the coding strand, the complement: CNOT1 is on the minus strand). VCF-style: chr16-58580762-T-C. GRCh37 (hg19) VCF-style: chr16-58614666-T-C.
Other names: c.1216-2A>G (NM_001265612.2, NM_206999.3).
Identifiers: ClinVar variation 4616030 (VCV004616030.1).